The following is an entry in ClinVar:

ClinVar aggregate classification (germline): Uncertain significance (1 of 4 stars; one submission).

Conditions:
Emery-Dreifuss muscular dystrophy (EDMD). Also called: Scapuloperoneal syndrome, X-linked (formerly); Humeroperoneal neuromuscular disease, (formerly). Identifiers: Orphanet 261, MedGen C0410189, MONDO:0016830.

Allele frequency attached by ClinVar (database versions not stated): TOPMed below 0.00001; gnomAD exomes 0.00001.
gnomAD v4.1: 9 of 1,611,026 alleles (0.00056%); highest among the groups gnomAD compares: Admixed American, 0.01%; no homozygotes.

Submission:

Labcorp Genetics (formerly Invitae), Labcorp
Classification: Uncertain significance for Emery-Dreifuss muscular dystrophy. Last evaluated: 2024-12-15. Review status: criteria provided, single submitter. Criteria: Invitae Variant Classification Sherloc (09022015). Collection method: clinical testing. Allele origin: germline.
Comment: This sequence change replaces alanine, which is neutral and non-polar, with valine, which is neutral and non-polar, at codon 24 of the SUN1 protein (p.Ala24Val). The frequency data for this variant in the population databases is considered unreliable, as metrics indicate poor data quality at this position in the gnomAD database. This variant has not been reported in the literature in individuals affected with SUN1-related conditions. ClinVar contains an entry for this variant (Variation ID: 2958155). An algorithm developed to predict the effect of missense changes on protein structure and function (PolyPhen-2) suggests that this variant is likely to be disruptive. In summary, the available evidence is currently insufficient to determine the role of this variant in disease. Therefore, it has been classified as a Variant of Uncertain Significance.

NM_001130965.3(SUN1):c.71C>T (p.Ala24Val)

Genes: SUN1 (Sad1 and UNC84 domain containing 1; plus strand), LOC126859921 (P300/CBP strongly-dependent group 1 enhancer GRCh37_chr7:871666-872865; plus strand). Cytogenetic location: 7p22.3.
Variant type: single nucleotide variant.
Coding change: c.71C>T on transcript NM_001130965.3 (MANE Select); coding-DNA position 71, C replaced by T.
Protein change: p.Ala24Val; replaces alanine 24 with valine.
Molecular consequence: missense variant. On other transcripts: non-coding transcript variant (3), intron variant (30), 5 prime UTR variant (1).
Genome position (GRCh38, 1-based): chr7:832,595, C>T. VCF-style: chr7-832595-C-T. GRCh37 (hg19) VCF-style: chr7-872232-C-T.
Other names: c.71C>T, p.Ala24Val (NM_001367703.1, NM_001367704.1, NM_001367705.1 and 35 more transcripts); c.297-6203C>T (NM_001367651.1); c.-73-6203C>T (NM_001367666.1, NM_001367655.1, NM_001367691.1 and 24 more transcripts); c.134C>T, p.Ala45Val (NM_001171945.2); c.-387C>T (NM_001367635.1); c.-684-6203C>T (NM_001367658.1); c.-301-9351C>T (NM_001367639.1); short protein forms A24V, A45V.
Identifiers: ClinVar variation 2958155 (VCV002958155.3), dbSNP rs1278902056, ClinGen allele CA366541651.
Genomic context (GRCh38, chr7:832,595, plus strand): 5'-CTCGGCTTCACATGTACAGTCCTCCCCAGTGTGTGCCGGAGAACACGGGCTACACGTATG[C>T]GCTCAGGTGAGTGTGCACCTGCACGTGGGGTCCTGGCCTTGCAATGCCCACTCGCTGTCG-3'
Protein context (NP_001124437.1, residues 14-34): CVPENTGYTY[Ala24Val]LSSSYSSDAL